The following is an entry in ClinVar:

ClinVar aggregate classification (germline): Uncertain significance (1 of 4 stars; one submission).

Conditions:
Arrhythmogenic cardiomyopathy with wooly hair and keratoderma. Also called: Carvajal syndrome; Arrhythmogenic cardiomyopathy with woolly hair and keratoderma; Dilated cardiomyopathy with woolly hair and keratoderma; PALMOPLANTAR KERATODERMA WITH LEFT VENTRICULAR CARDIOMYOPATHY AND WOOLLY HAIR. Identifiers: Orphanet 65282, MedGen C1854063, MONDO:0011581, OMIM 605676.
Arrhythmogenic right ventricular dysplasia 8 (ARVD8). Also called: Arrhythmogenic Right Ventricular Dysplasia/Cardiomyopathy 8; ARRHYTHMOGENIC RIGHT VENTRICULAR DYSPLASIA, FAMILIAL, 8; ARRHYTHMOGENIC RIGHT VENTRICULAR CARDIOMYOPATHY 8. Identifiers: MedGen C1843896, MONDO:0011831, OMIM 607450.

Submission:

Labcorp Genetics (formerly Invitae), Labcorp
Classification: Uncertain significance for Arrhythmogenic cardiomyopathy with wooly hair and keratoderma; Arrhythmogenic right ventricular dysplasia 8. Last evaluated: 2022-04-12. Review status: criteria provided, single submitter. Criteria: Invitae Variant Classification Sherloc (09022015). Collection method: clinical testing. Allele origin: germline.
Comment: Algorithms developed to predict the effect of missense changes on protein structure and function are either unavailable or do not agree on the potential impact of this missense change (SIFT: "Deleterious"; PolyPhen-2: "Benign"; Align-GVGD: "Class C25"). In summary, the available evidence is currently insufficient to determine the role of this variant in disease. Therefore, it has been classified as a Variant of Uncertain Significance. This variant has not been reported in the literature in individuals affected with DSP-related conditions. This variant is not present in population databases (gnomAD no frequency). This sequence change replaces glutamine, which is neutral and polar, with leucine, which is neutral and non-polar, at codon 1830 of the DSP protein (p.Gln1830Leu).

NM_004415.4(DSP):c.5489A>T (p.Gln1830Leu)

Gene: DSP (desmoplakin; plus strand). Cytogenetic location: 6p24.3.
Variant type: single nucleotide variant.
Coding change: c.5489A>T on transcript NM_004415.4 (MANE Select); coding-DNA position 5489, A replaced by T.
Protein change: p.Gln1830Leu; replaces glutamine 1830 with leucine.
Molecular consequence: missense variant.
Genome position (GRCh38, 1-based): chr6:7,582,751, A>T. VCF-style: chr6-7582751-A-T. GRCh37 (hg19) VCF-style: chr6-7582984-A-T.
Other names: c.3692A>T, p.Gln1231Leu (NM_001008844.3); c.4160A>T, p.Gln1387Leu (NM_001319034.2); short protein forms Q1830L, Q1231L, Q1387L.
Identifiers: ClinVar variation 2125463 (VCV002125463.4), dbSNP rs1315179643, ClinGen allele CA362688738.